The following is an entry in ClinVar:

ClinVar aggregate classification (germline): Conflicting classifications of pathogenicity. Review status: criteria provided, conflicting classifications (1 of 4 stars). 2 submissions from 2 submitters: Uncertain significance (1); Likely benign (1). Last evaluated 2024-03-20.

Conditions:
Inborn genetic diseases. Identifiers: MedGen C0950123, MeSH D030342.

Allele frequency attached by ClinVar (database versions not stated): gnomAD 0.00003.
gnomAD v4.1: 24 of 1,609,348 alleles (0.0015%); highest among the groups gnomAD compares: East Asian, 0.0045%; no homozygotes.

Submissions (2):

Ambry Genetics
Classification: Likely benign for Inborn genetic diseases. Last evaluated: 2024-03-20. Review status: criteria provided, single submitter. Criteria: Ambry Variant Classification Scheme 2023. Collection method: clinical testing. Allele origin: germline.

Labcorp Genetics (formerly Invitae), Labcorp
Classification: Uncertain significance. Last evaluated: 2022-07-12. Review status: criteria provided, single submitter. Criteria: Invitae Variant Classification Sherloc (09022015). Collection method: clinical testing. Allele origin: germline.
Comment: In summary, the available evidence is currently insufficient to determine the role of this variant in disease. Therefore, it has been classified as a Variant of Uncertain Significance. Algorithms developed to predict the effect of missense changes on protein structure and function output the following: SIFT: "Tolerated"; PolyPhen-2: "Benign"; Align-GVGD: "Class C0". The isoleucine amino acid residue is found in multiple mammalian species, which suggests that this missense change does not adversely affect protein function. This sequence change replaces valine, which is neutral and non-polar, with isoleucine, which is neutral and non-polar, at codon 476 of the MPDZ protein (p.Val476Ile). This variant is present in population databases (no rsID available, gnomAD 0.01%). This variant has not been reported in the literature in individuals affected with MPDZ-related conditions.

NM_001378778.1(MPDZ):c.1426G>A (p.Val476Ile)

Gene: MPDZ (multiple PDZ domain crumbs cell polarity complex component; minus strand). Cytogenetic location: 9p23.
Variant type: single nucleotide variant.
Coding change: c.1426G>A on transcript NM_001378778.1 (MANE Select); coding-DNA position 1426, G replaced by A.
Protein change: p.Val476Ile; replaces valine 476 with isoleucine.
Molecular consequence: missense variant.
Genome position (GRCh38, 1-based): chr9:13,205,964, C>T on the plus strand (G>A on the coding strand, the complement: MPDZ is on the minus strand). VCF-style: chr9-13205964-C-T. GRCh37 (hg19) VCF-style: chr9-13205963-C-T.
Other names: c.1426G>A, p.Val476Ile (NM_001261406.2, NM_001261407.2, NM_001330637.2 and 14 more transcripts); c.1426G>A (NM_003829.3); short protein forms V476I.
Identifiers: ClinVar variation 1934898 (VCV001934898.6), dbSNP rs749650642, ClinGen allele CA372943152.
Genomic context (GRCh38, chr9:13,205,964, plus strand): 5'-ACATAGGATTACCTTTGATTATGCTGGCATTAACAGGAGACAAATCTGCATCTTTTGTGA[C>T]GTCTTCCCTTGACATGAGCTCGGCTTCCTGCTTCATTCCTCTCCTCATTAGTGTCAGGAG-3'
Protein context (NP_001365707.1, residues 466-486): QEAELMSRED[Val476Ile]TKDADLSPVN